The following is an entry in ClinVar:

NM_002905.5(RDH5):c.541G>A (p.Gly181Ser)

Genes: BLOC1S1-RDH5 (BLOC1S1-RDH5 readthrough; plus strand), RDH5 (retinol dehydrogenase 5; plus strand). Cytogenetic location: 12q13.2.
Variant type: single nucleotide variant.
Coding change: c.541G>A on transcript NM_002905.5 (MANE Select); coding-DNA position 541, G replaced by A.
Protein change: p.Gly181Ser; replaces glycine 181 with serine.
Molecular consequence: missense variant. On other transcripts: non-coding transcript variant (1).
Genome position (GRCh38, 1-based): chr12:55,721,919, G>A. VCF-style: chr12-55721919-G-A. GRCh37 (hg19) VCF-style: chr12-56115703-G-A.
Other names: c.541G>A, p.Gly181Ser (NM_001199771.3); short protein forms G181S.
Identifiers: ClinVar variation 2119328 (VCV002119328.4), dbSNP rs1375668222, ClinGen allele CA385201171.

ClinVar aggregate classification (germline): Uncertain significance (1 of 4 stars; one submission).

Allele frequency attached by ClinVar (database versions not stated): gnomAD 0.00001; TOPMed 0.00001.

Submission:

Labcorp Genetics (formerly Invitae), Labcorp
Classification: Uncertain significance. Last evaluated: 2022-03-29. Review status: criteria provided, single submitter. Criteria: Invitae Variant Classification Sherloc (09022015). Collection method: clinical testing. Allele origin: germline.
Comment: In summary, the available evidence is currently insufficient to determine the role of this variant in disease. Therefore, it has been classified as a Variant of Uncertain Significance. Algorithms developed to predict the effect of missense changes on protein structure and function are either unavailable or do not agree on the potential impact of this missense change (SIFT: "Deleterious"; PolyPhen-2: "Possibly Damaging"; Align-GVGD: "Class C0"). This variant has not been reported in the literature in individuals affected with RDH5-related conditions. This variant is not present in population databases (gnomAD no frequency). This sequence change replaces glycine, which is neutral and non-polar, with serine, which is neutral and polar, at codon 181 of the RDH5 protein (p.Gly181Ser).